The following is an entry in ClinVar:

ClinVar aggregate classification (germline): Uncertain significance. Review status: criteria provided, multiple submitters, no conflicts (2 of 4 stars). 3 submissions from 3 submitters: Uncertain significance (3). Last evaluated 2025-08-03.

Conditions:
Familial cold autoinflammatory syndrome 2 (FCAS2). Identifiers: Orphanet 247868, MedGen C2673198, MONDO:0012724, OMIM 611762.

Allele frequency attached by ClinVar (database versions not stated): gnomAD exomes below 0.00001; TOPMed below 0.00001; ExAC 0.00001; gnomAD 0.00002; ESP Exome Variant Server 0.00008.

Submissions (3):

Labcorp Genetics (formerly Invitae), Labcorp
Classification: Uncertain significance for Familial cold autoinflammatory syndrome 2. Last evaluated: 2025-08-03. Review status: criteria provided, single submitter. Criteria: Invitae Variant Classification Sherloc (09022015). Collection method: clinical testing. Allele origin: germline.
Comment: This sequence change replaces glycine, which is neutral and non-polar, with aspartic acid, which is acidic and polar, at codon 222 of the NLRP12 protein (p.Gly222Asp). This variant is present in population databases (rs371385297, gnomAD 0.003%). This variant has not been reported in the literature in individuals affected with NLRP12-related conditions. ClinVar contains an entry for this variant (Variation ID: 1693756). Invitae Evidence Modeling of protein sequence and biophysical properties (such as structural, functional, and spatial information, amino acid conservation, physicochemical variation, residue mobility, and thermodynamic stability) indicates that this missense variant is expected to disrupt NLRP12 protein function with a positive predictive value of 80%. In summary, the available evidence is currently insufficient to determine the role of this variant in disease. Therefore, it has been classified as a Variant of Uncertain Significance.

CeGaT Center for Human Genetics Tuebingen
Classification: Uncertain significance. Last evaluated: 2025-07-01. Review status: criteria provided, single submitter. Criteria: CeGaT Center For Human Genetics Tuebingen Variant Classification Criteria Version 2. Collection method: clinical testing. Allele origin: germline. Affected: yes. Observed: 1 variant allele.
Comment: NLRP12: PM2, PP3

Mayo Clinic Laboratories, Mayo Clinic
Classification: Uncertain significance. Last evaluated: 2021-07-26. Review status: criteria provided, single submitter. Criteria: ACMG Guidelines, 2015. Collection method: clinical testing. Allele origin: germline.

NM_144687.4(NLRP12):c.665G>A (p.Gly222Asp)

Gene: NLRP12 (NLR family pyrin domain containing 12; minus strand). Cytogenetic location: 19q13.42.
Variant type: single nucleotide variant.
Coding change: c.665G>A on transcript NM_144687.4 (MANE Select); coding-DNA position 665, G replaced by A.
Protein change: p.Gly222Asp; replaces glycine 222 with aspartic acid.
Molecular consequence: missense variant.
Genome position (GRCh38, 1-based): chr19:53,810,994, C>T on the plus strand (G>A on the coding strand, the complement: NLRP12 is on the minus strand). VCF-style: chr19-53810994-C-T. GRCh37 (hg19) VCF-style: chr19-54314248-C-T.
Other names: p.Gly222Asp; c.665G>A, p.Gly222Asp (NM_001277126.2, NM_001277129.1); short protein forms G222D.
Identifiers: ClinVar variation 1693756 (VCV001693756.15), dbSNP rs371385297, ClinGen allele CA9639636.